The following is an entry in ClinVar:

NM_001025295.3(IFITM5):c.-27A>G

Gene: IFITM5 (interferon induced transmembrane protein 5; minus strand). Cytogenetic location: 11p15.5.
Variant type: single nucleotide variant.
Coding change: c.-27A>G on transcript NM_001025295.3 (MANE Select); 27 bases upstream of the start codon, A replaced by G.
Molecular consequence: 5 prime UTR variant.
Genome position (GRCh38, 1-based): chr11:299,517, T>C on the plus strand (A>G on the coding strand, the complement: IFITM5 is on the minus strand). VCF-style: chr11-299517-T-C. GRCh37 (hg19) VCF-style: chr11-299517-T-C.
Other names: NC_000011.9:g.299517T>C.
Identifiers: ClinVar variation 516291 (VCV000516291.3), dbSNP rs113160876, ClinGen allele CA5773542.

ClinVar aggregate classification (germline): Benign. Review status: criteria provided, multiple submitters, no conflicts (2 of 4 stars). 2 submissions from 2 submitters: Benign (2). Last evaluated 2017-11-10.

Allele frequency attached by ClinVar (database versions not stated): TOPMed 0.01263; ExAC 0.02035; 1000 Genomes Project 30x 0.04138; gnomAD 0.01110 and 0.01440; gnomAD exomes 0.01840; 1000 Genomes Project 0.04293; ESP Exome Variant Server 0.00668.
gnomAD v4.1: 12,882 of 1,441,638 alleles (0.89%); highest among the groups gnomAD compares: South Asian, 10%; 580 homozygotes.

Submissions (5):

GeneDx
Classification: Benign. Last evaluated: 2017-11-10. Review status: criteria provided, single submitter. Criteria: GeneDx Variant Classification (06012015). Collection method: clinical testing. Allele origin: germline. Affected: yes.
Comment: This variant is considered likely benign or benign based on one or more of the following criteria: it is a conservative change, it occurs at a poorly conserved position in the protein, it is predicted to be benign by multiple in silico algorithms, and/or has population frequency not consistent with disease.

Breakthrough Genomics
Classification: Benign. Review status: criteria provided, single submitter. Criteria: ACMG Guidelines, 2015. Collection method: not provided. Allele origin: germline. Inheritance: Autosomal dominant inheritance. Affected: yes.

Dr. Peter K. Rogan Lab, Western University
No classification provided (evidence only). Condition: Uterine corpus endometrial carcinoma. Review status: no classification provided. Collection method: in vitro. Allele origin: not applicable. Functional consequence: retained intron. Not counted in ClinVar's aggregate classification.

Dr. Peter K. Rogan Lab, Western University
No classification provided (evidence only). Condition: Uterine corpus endometrial carcinoma. Review status: no classification provided. Collection method: in vitro. Allele origin: not applicable. Functional consequence: retained intron. Not counted in ClinVar's aggregate classification.

Dr. Peter K. Rogan Lab, Western University
No classification provided (evidence only). Condition: Ovarian serous cystadenocarcinoma. Review status: no classification provided. Collection method: in vitro. Allele origin: not applicable. Functional consequence: retained intron. Not counted in ClinVar's aggregate classification.